The following is an entry in ClinVar:

ClinVar aggregate classification (germline): Benign/Likely benign. Review status: criteria provided, multiple submitters, no conflicts (2 of 4 stars). 6 submissions from 6 submitters: Benign (1); Likely benign (4). 1 of the submissions does not count toward it. Last evaluated 2026-01-26.

Conditions:
Dyskeratosis congenita. Identifiers: Orphanet 1775, MedGen C0265965, MONDO:0015780.
Dyskeratosis congenita, autosomal recessive 5 (DKCB5). Identifiers: MedGen C3554656, MONDO:0014076, OMIM 615190.
Pulmonary fibrosis and/or bone marrow failure, Telomere-related, 3. Also called: PULMONARY FIBROSIS AND/OR BONE MARROW FAILURE SYNDROME, TELOMERE-RELATED, 3. Identifiers: Orphanet 2032, MedGen C4225346, MONDO:0014613, OMIM 616373.
Inborn genetic diseases. Identifiers: MedGen C0950123, MeSH D030342.

Allele frequency attached by ClinVar (database versions not stated): ESP Exome Variant Server 0.00008; gnomAD 0.00023 and 0.00024; TOPMed 0.00039; 1000 Genomes Project 30x 0.00062; 1000 Genomes Project 0.00080.
gnomAD v4.1: 336 of 1,601,692 alleles (0.021%); highest among the groups gnomAD compares: Admixed American, 0.12%; no homozygotes.

Submissions (6):

Labcorp Genetics (formerly Invitae), Labcorp
Classification: Benign for Dyskeratosis congenita, autosomal recessive 5; Pulmonary fibrosis and/or bone marrow failure, Telomere-related, 3. Last evaluated: 2026-01-26. Review status: criteria provided, single submitter. Criteria: Invitae Variant Classification Sherloc (09022015). Collection method: clinical testing. Allele origin: germline.

Blueprint Genetics
Classification: Likely benign. Last evaluated: 2024-10-07. Review status: criteria provided, single submitter. Criteria: ACMG Guidelines, 2015. Collection method: clinical testing. Allele origin: germline.

Ambry Genetics
Classification: Likely benign for Inborn genetic diseases. Last evaluated: 2024-10-04. Review status: criteria provided, single submitter. Criteria: Ambry Variant Classification Scheme 2023. Collection method: clinical testing. Allele origin: germline.

CeGaT Center for Human Genetics Tuebingen
Classification: Likely benign. Last evaluated: 2022-11-01. Review status: criteria provided, single submitter. Criteria: CeGaT Center For Human Genetics Tuebingen Variant Classification Criteria Version 2. Collection method: clinical testing. Allele origin: germline. Affected: yes. Observed: 1 variant allele.
Comment: RTEL1: BP4, BP7

Sema4
Classification: Likely benign for Dyskeratosis congenita. Last evaluated: 2021-03-19. Review status: criteria provided, single submitter. Criteria: Sema4 Curation Guidelines. Collection method: curation. Allele origin: germline.

Natera, Inc.
Classification: Likely benign for Dyskeratosis congenita. Last evaluated: 2019-10-23. Review status: no assertion criteria provided. Collection method: clinical testing. Allele origin: germline. Not counted in ClinVar's aggregate classification.

NM_001283009.2(RTEL1):c.3090G>A (p.Ser1030=)

Genes: RTEL1 (regulator of telomere elongation helicase 1; plus strand), RTEL1-TNFRSF6B (RTEL1-TNFRSF6B readthrough (NMD candidate); plus strand). Cytogenetic location: 20q13.33.
Variant type: single nucleotide variant.
Coding change: c.3090G>A on transcript NM_001283009.2 (MANE Select); coding-DNA position 3090, G replaced by A.
Protein change: p.Ser1030=; no amino-acid change (serine 1030 retained).
Molecular consequence: synonymous variant. On other transcripts: non-coding transcript variant (1).
Genome position (GRCh38, 1-based): chr20:63,694,469, G>A. VCF-style: chr20-63694469-G-A. GRCh37 (hg19) VCF-style: chr20-62325822-G-A.
Other names: c.2421G>A, p.Ser807= (NM_001283010.1); c.3090G>A, p.Ser1030= (NM_016434.4); c.3162G>A, p.Ser1054= (NM_032957.5).
Identifiers: ClinVar variation 737021 (VCV000737021.39), dbSNP rs187238540, ClinGen allele CA9965829.